The following is an entry in ClinVar:

ClinVar aggregate classification (germline): Uncertain significance (1 of 4 stars; one submission).

gnomAD v4.1: 10 of 1,605,376 alleles (0.00062%); highest among the groups gnomAD compares: South Asian, 0.011%; no homozygotes.

Submission:

GeneDx
Classification: Uncertain significance. Last evaluated: 2025-06-25. Review status: criteria provided, single submitter. Criteria: GeneDx Variant Classification Process June 2021. Collection method: clinical testing. Allele origin: germline. Affected: yes.
Comment: In silico analysis supports that this missense variant has a deleterious effect on protein structure/function; Has not been previously published as pathogenic or benign to our knowledge; In silico analysis suggests this variant may impact gene splicing. In the absence of RNA/functional studies, the actual effect of this sequence change is unknown.

NM_004447.6(EPS8):c.833A>T (p.Asp278Val)

Gene: EPS8 (EGFR pathway substrate 8, signaling adaptor; minus strand). Cytogenetic location: 12p12.3.
Variant type: single nucleotide variant.
Coding change: c.833A>T on transcript NM_004447.6 (MANE Select); coding-DNA position 833, A replaced by T.
Protein change: p.Asp278Val; replaces aspartic acid 278 with valine.
Molecular consequence: missense variant. On other transcripts: non-coding transcript variant (3).
Genome position (GRCh38, 1-based): chr12:15,660,718, T>A on the plus strand (A>T on the coding strand, the complement: EPS8 is on the minus strand). VCF-style: chr12-15660718-T-A. GRCh37 (hg19) VCF-style: chr12-15813652-T-A.
Other names: c.833A>T, p.Asp278Val (NM_001413831.1, NM_001413832.1, NM_001413833.1 and 2 more transcripts); c.593A>T, p.Asp198Val (NM_001413835.1, NM_001413836.1); c.416A>T, p.Asp139Val (NM_001413837.1); c.53A>T, p.Asp18Val (NM_001413838.1); short protein forms D139V, D18V, D198V, D278V.
Identifiers: ClinVar variation 4540051 (VCV004540051.1).